The following is an entry in ClinVar:

NM_000548.5(TSC2):c.121A>G (p.Thr41Ala)

Gene: TSC2 (TSC complex subunit 2; plus strand). Cytogenetic location: 16p13.3.
Variant type: single nucleotide variant.
Coding change: c.121A>G on transcript NM_000548.5 (MANE Select); coding-DNA position 121, A replaced by G.
Protein change: p.Thr41Ala; replaces threonine 41 with alanine.
Molecular consequence: missense variant. On other transcripts: intron variant (1), 5 prime UTR variant (1).
Genome position (GRCh38, 1-based): chr16:2,048,736, A>G. VCF-style: chr16-2048736-A-G. GRCh37 (hg19) VCF-style: chr16-2098737-A-G.
Other names: c.121A>G (NM_000548.3); c.121A>G, p.Thr41Ala (NM_001370405.1, NM_021055.3, NM_001077183.3 and 4 more transcripts); c.-10+671A>G (NM_001318829.2); c.-106A>G (NM_001318831.2); c.154A>G, p.Thr52Ala (NM_001318832.2); short protein forms T41A, T52A.
Identifiers: ClinVar variation 1379252 (VCV001379252.6), dbSNP rs1596234558, ClinGen allele CA394301694.
Genomic context (GRCh38, chr16:2,048,736, plus strand): 5'-CTGGGAACACCGAGGCCAAATCCCAGGTCTGCAGAGGGTAAACAGACGGAGTTTATCATC[A>G]CCGCGGAAATACTGAGAGTGAGTGAGCTACCTGTGTCTTTGCTAGGCTAGAGGGAAATGC-3'
Protein context (NP_000539.2, residues 31-51): AEGKQTEFII[Thr41Ala]AEILRELSME

ClinVar aggregate classification (germline): Uncertain significance. Review status: criteria provided, multiple submitters, no conflicts (2 of 4 stars). 2 submissions from 2 submitters: Uncertain significance (2). Last evaluated 2024-05-23.

Conditions:
Hereditary cancer-predisposing syndrome. Also called: Tumor predisposition; Hereditary neoplastic syndrome; Neoplastic Syndromes, Hereditary; Hereditary Cancer Syndrome. Identifiers: Orphanet 140162, MedGen C0027672, MeSH D009386, MONDO:0015356.
Tuberous sclerosis 2 (TSC2). Identifiers: Orphanet 805, MedGen C1860707, MONDO:0013199, OMIM 613254.

Submissions (2):

Labcorp Genetics (formerly Invitae), Labcorp
Classification: Uncertain significance for Tuberous sclerosis 2. Last evaluated: 2024-05-23. Review status: criteria provided, single submitter. Criteria: Invitae Variant Classification Sherloc (09022015). Collection method: clinical testing. Allele origin: germline.
Comment: This sequence change replaces threonine, which is neutral and polar, with alanine, which is neutral and non-polar, at codon 41 of the TSC2 protein (p.Thr41Ala). This variant is not present in population databases (gnomAD no frequency). This variant has not been reported in the literature in individuals affected with TSC2-related conditions. ClinVar contains an entry for this variant (Variation ID: 1379252). Advanced modeling of protein sequence and biophysical properties (such as structural, functional, and spatial information, amino acid conservation, physicochemical variation, residue mobility, and thermodynamic stability) performed at Invitae indicates that this missense variant is not expected to disrupt TSC2 protein function with a negative predictive value of 95%. In summary, the available evidence is currently insufficient to determine the role of this variant in disease. Therefore, it has been classified as a Variant of Uncertain Significance.

Ambry Genetics
Classification: Uncertain significance for Hereditary cancer-predisposing syndrome. Last evaluated: 2023-05-02. Review status: criteria provided, single submitter. Criteria: Ambry Variant Classification Scheme 2023. Collection method: clinical testing. Allele origin: germline.
Comment: The p.T41A variant (also known as c.121A>G), located in coding exon 1 of the TSC2 gene, results from an A to G substitution at nucleotide position 121. The threonine at codon 41 is replaced by alanine, an amino acid with similar properties. This amino acid position is conserved. In addition, the in silico prediction for this alteration is inconclusive. Since supporting evidence is limited at this time, the clinical significance of this alteration remains unclear.